The following is an entry in ClinVar:

NM_005188.4(CBL):c.1269T>G (p.Ile423Met)

Gene: CBL (Cbl proto-oncogene; plus strand). Cytogenetic location: 11q23.3.
Variant type: single nucleotide variant.
Coding change: c.1269T>G on transcript NM_005188.4 (MANE Select); coding-DNA position 1269, T replaced by G.
Protein change: p.Ile423Met; replaces isoleucine 423 with methionine.
Molecular consequence: missense variant.
Genome position (GRCh38, 1-based): chr11:119,278,551, T>G. VCF-style: chr11-119278551-T-G. GRCh37 (hg19) VCF-style: chr11-119149261-T-G.
Other names: short protein forms I423M.
Identifiers: ClinVar variation 3995994 (VCV003995994.1).

ClinVar aggregate classification (germline): Uncertain significance (1 of 4 stars; one submission).

Conditions:
Cardiovascular phenotype. Identifiers: MedGen CN230736.

gnomAD v4.1: 1 of 1,614,200 alleles (0.000062%); highest among the groups gnomAD compares: Non-Finnish European, 0.000085%; no homozygotes.

Submission:

Ambry Genetics
Classification: Uncertain significance for Cardiovascular phenotype. Last evaluated: 2025-03-30. Review status: criteria provided, single submitter. Criteria: Ambry Variant Classification Scheme 2023. Collection method: clinical testing. Allele origin: germline.
Comment: The p.I423M variant (also known as c.1269T>G), located in coding exon 9 of the CBL gene, results from a T to G substitution at nucleotide position 1269. The isoleucine at codon 423 is replaced by methionine, an amino acid with highly similar properties. This amino acid position is conserved. In addition, this alteration is predicted to be deleterious by in silico analysis. Based on the available evidence, the clinical significance of this variant remains unclear.